The following is an entry in ClinVar:

ClinVar aggregate classification (germline): Uncertain significance (1 of 4 stars; one submission).

Conditions:
Chuvash polycythemia. Also called: POLYCYTHEMIA, VHL-DEPENDENT. Identifiers: Orphanet 238557, MedGen C1837915, MONDO:0009892, OMIM 263400.
Von Hippel-Lindau syndrome (VHLS). Also called: von Hippel–Lindau syndrome; Von Hippel-Lindau; VHL syndrome. Identifiers: Orphanet 892, MedGen C0019562, MONDO:0008667, OMIM 193300. Disease mechanism: loss of function.

Submission:

Labcorp Genetics (formerly Invitae), Labcorp
Classification: Uncertain significance for Von Hippel-Lindau syndrome; Chuvash polycythemia. Last evaluated: 2020-04-13. Review status: criteria provided, single submitter. Criteria: Invitae Variant Classification Sherloc (09022015). Collection method: clinical testing. Allele origin: germline.
Comment: This sequence change falls in intron 1 of the VHL gene. It is not expected to change the encoded amino acid sequence of the VHL protein. However, this sequence change falls within a cryptic exon in the VHL gene, known as exon E1’, which is naturally expressed at low levels in several human tissues (PMID: 29891534). This variant has not been reported in the literature in individuals with VHL-related conditions. Experimental studies and prediction algorithms are not available or were not evaluated, and the functional significance of this variant is currently unknown. In summary, the available evidence is currently insufficient to determine the role of this variant in disease. Therefore, it has been classified as a Variant of Uncertain Significance. The frequency data for this variant in the population databases is considered unreliable, as metrics indicate insufficient coverage at this position in the ExAC database.

Literature cited by the submitters: PubMed 29891534.

NM_000551.4(VHL):c.340+811G>A

Genes: VHL (von Hippel-Lindau tumor suppressor; plus strand), LOC107303340 (3p25 von Hippel-Lindau tumor suppressor, E3 ubiquitin protein ligase Alu-mediated recombination region; plus strand). Cytogenetic location: 3p25.3.
Variant type: single nucleotide variant.
Coding change: c.340+811G>A on transcript NM_000551.4 (MANE Select); 811 bases into the intron after coding-DNA position 340, G replaced by A.
Molecular consequence: intron variant. On other transcripts: missense variant (1).
Genome position (GRCh38, 1-based): chr3:10,142,998, G>A. VCF-style: chr3-10142998-G-A. GRCh37 (hg19) VCF-style: chr3-10184682-G-A.
Other names: c.576G>A, p.Met192Ile (NM_001354723.2); c.340+811G>A (NM_198156.3); short protein forms M192I.
Identifiers: ClinVar variation 1006721 (VCV001006721.9), dbSNP rs1174101376, ClinGen allele CA1345067588.